The following is an entry in ClinVar:

NM_003201.3(TFAM):c.475C>T (p.Arg159Cys)

Gene: TFAM (transcription factor A, mitochondrial; plus strand). Cytogenetic location: 10q21.1.
Variant type: single nucleotide variant.
Coding change: c.475C>T on transcript NM_003201.3 (MANE Select); coding-DNA position 475, C replaced by T.
Protein change: p.Arg159Cys; replaces arginine 159 with cysteine.
Molecular consequence: missense variant. On other transcripts: non-coding transcript variant (1), intron variant (1).
Genome position (GRCh38, 1-based): chr10:58,390,798, C>T. VCF-style: chr10-58390798-C-T. GRCh37 (hg19) VCF-style: chr10-60150558-C-T.
Other names: c.441+1979C>T (NM_001270782.2); c.475C>T (NM_003201.1); short protein forms R159C.
Identifiers: ClinVar variation 2856204 (VCV002856204.4), dbSNP rs1375212511, ClinGen allele CA377059245.

ClinVar aggregate classification (germline): Uncertain significance. Review status: criteria provided, multiple submitters, no conflicts (2 of 4 stars). 2 submissions from 2 submitters: Uncertain significance (2). Last evaluated 2025-06-09.

Allele frequency attached by ClinVar (database versions not stated): gnomAD exomes below 0.00001; TOPMed below 0.00001; gnomAD 0.00001.
gnomAD v4.1: 4 of 1,612,984 alleles (0.00025%); highest among the groups gnomAD compares: Non-Finnish European, 0.00034%; no homozygotes.

Submissions (2):

Ambry Genetics
Classification: Uncertain significance. Last evaluated: 2025-06-09. Review status: criteria provided, single submitter. Criteria: Ambry Variant Classification Scheme 2023. Collection method: clinical testing. Allele origin: germline.

Labcorp Genetics (formerly Invitae), Labcorp
Classification: Uncertain significance. Last evaluated: 2023-04-26. Review status: criteria provided, single submitter. Criteria: Invitae Variant Classification Sherloc (09022015). Collection method: clinical testing. Allele origin: germline.
Comment: In summary, the available evidence is currently insufficient to determine the role of this variant in disease. Therefore, it has been classified as a Variant of Uncertain Significance. Advanced modeling of protein sequence and biophysical properties (such as structural, functional, and spatial information, amino acid conservation, physicochemical variation, residue mobility, and thermodynamic stability) performed at Invitae indicates that this missense variant is expected to disrupt TFAM protein function. This variant has not been reported in the literature in individuals affected with TFAM-related conditions. This variant is present in population databases (no rsID available, gnomAD 0.007%). This sequence change replaces arginine, which is basic and polar, with cysteine, which is neutral and slightly polar, at codon 159 of the TFAM protein (p.Arg159Cys).